The following is an entry in ClinVar:

NM_004456.5(EZH2):c.1555T>C (p.Ser519Pro)

Gene: EZH2 (enhancer of zeste 2 polycomb repressive complex 2 subunit; minus strand). Cytogenetic location: 7q36.1.
Variant type: single nucleotide variant.
Coding change: c.1555T>C on transcript NM_004456.5 (MANE Select); coding-DNA position 1555, T replaced by C.
Protein change: p.Ser519Pro; replaces serine 519 with proline.
Molecular consequence: missense variant. On other transcripts: intron variant (1).
Genome position (GRCh38, 1-based): chr7:148,815,031, A>G on the plus strand (T>C on the coding strand, the complement: EZH2 is on the minus strand). VCF-style: chr7-148815031-A-G. GRCh37 (hg19) VCF-style: chr7-148512123-A-G.
Other names: c.1540T>C, p.Ser514Pro (NM_001203247.2); c.1513T>C, p.Ser505Pro (NM_001203248.2); c.1423T>C, p.Ser475Pro (NM_152998.3); c.1504+475T>C (NM_001203249.2); short protein forms S519P, S505P, S475P, S514P.
Identifiers: ClinVar variation 359279 (VCV000359279.14), dbSNP rs747009766, ClinGen allele CA4547834.

ClinVar aggregate classification (germline): Conflicting classifications of pathogenicity. Review status: criteria provided, conflicting classifications (1 of 4 stars). 3 submissions from 3 submitters: Uncertain significance (2); Likely benign (1). Last evaluated 2025-09-25.

Conditions:
EZH2-related disorder.
Inborn genetic diseases. Identifiers: MedGen C0950123, MeSH D030342.
Weaver syndrome (WVS). Also called: Weaver Smith syndrome; Overgrowth syndrome with accelerated skeletal maturation, unusual facies, and camptodactyly. Identifiers: Orphanet 3447, MedGen C0265210, MONDO:0010193, OMIM 277590.

Allele frequency attached by ClinVar (database versions not stated): TOPMed 0.00001; ExAC 0.00002; gnomAD 0.00002 and 0.00003.
gnomAD v4.1: 44 of 1,613,790 alleles (0.0027%); highest among the groups gnomAD compares: Non-Finnish European, 0.0035%; no homozygotes.

Submissions (3):

Ambry Genetics
Classification: Uncertain significance for Inborn genetic diseases. Last evaluated: 2025-09-25. Review status: criteria provided, single submitter. Criteria: Ambry Variant Classification Scheme 2023. Collection method: clinical testing. Allele origin: germline.

Labcorp Genetics (formerly Invitae), Labcorp
Classification: Likely benign for Weaver syndrome. Last evaluated: 2025-07-24. Review status: criteria provided, single submitter. Criteria: Invitae Variant Classification Sherloc (09022015). Collection method: clinical testing. Allele origin: germline.

PreventionGenetics, part of Exact Sciences
Classification: Uncertain significance for EZH2-related condition. Last evaluated: 2025-03-07. Review status: criteria provided, single submitter. Criteria: ACMG Guidelines, 2015. Collection method: clinical testing. Allele origin: germline.
Comment: The EZH2 c.1555T>C variant is predicted to result in the amino acid substitution p.Ser519Pro. To our knowledge, this variant has not been reported in the literature. This variant is reported in 0.0070% of alleles in individuals of European (Non-Finnish) descent in gnomAD. At this time, the clinical significance of this variant is uncertain due to the absence of conclusive functional and genetic evidence.